The following is an entry in ClinVar:

NM_001100913.3(PACS2):c.2265C>T (p.Val755=)

Gene: PACS2 (phosphofurin acidic cluster sorting protein 2; plus strand). Cytogenetic location: 14q32.33.
Variant type: single nucleotide variant.
Coding change: c.2265C>T on transcript NM_001100913.3 (MANE Select); coding-DNA position 2265, C replaced by T.
Protein change: p.Val755=; no amino-acid change (valine 755 retained).
Molecular consequence: synonymous variant.
Genome position (GRCh38, 1-based): chr14:105,392,628, C>T. VCF-style: chr14-105392628-C-T. GRCh37 (hg19) VCF-style: chr14-105858965-C-T.
Other names: c.1995C>T, p.Val665= (NM_001243127.3); c.2220C>T, p.Val740= (NM_015197.4).
Identifiers: ClinVar variation 1600323 (VCV001600323.28), dbSNP rs587732574, ClinGen allele CA7389234.

ClinVar aggregate classification (germline): Benign/Likely benign. Review status: criteria provided, multiple submitters, no conflicts (2 of 4 stars). 4 submissions from 4 submitters: Benign (2); Likely benign (2). Last evaluated 2025-11-06.

Allele frequency attached by ClinVar (database versions not stated): gnomAD 0.00001 and 0.00005; TOPMed 0.00003; gnomAD exomes 0.00011 and 0.00019; 1000 Genomes Project 0.00020; 1000 Genomes Project 30x 0.00031; ExAC 0.00045.
gnomAD v4.1: 165 of 1,605,958 alleles (0.01%); highest among the groups gnomAD compares: South Asian, 0.16%; 2 homozygotes.

Submissions (4):

Labcorp Genetics (formerly Invitae), Labcorp
Classification: Benign. Last evaluated: 2025-11-06. Review status: criteria provided, single submitter. Criteria: Invitae Variant Classification Sherloc (09022015). Collection method: clinical testing. Allele origin: germline.

CeGaT Center for Human Genetics Tuebingen
Classification: Likely benign. Last evaluated: 2024-12-01. Review status: criteria provided, single submitter. Criteria: CeGaT Center For Human Genetics Tuebingen Variant Classification Criteria Version 2. Collection method: clinical testing. Allele origin: germline. Affected: yes. Observed: 2 variant alleles.
Comment: PACS2: BP4, BP7, BS1

Blueprint Genetics
Classification: Likely benign. Last evaluated: 2024-08-20. Review status: criteria provided, single submitter. Criteria: ACMG Guidelines, 2015. Collection method: clinical testing. Allele origin: germline.

Breakthrough Genomics
Classification: Benign. Review status: criteria provided, single submitter. Criteria: ACMG Guidelines, 2015. Collection method: not provided. Allele origin: germline. Inheritance: Autosomal dominant inheritance. Affected: yes.